The following is an entry in ClinVar:

ClinVar aggregate classification (germline): Uncertain significance (1 of 4 stars; one submission).

Submission:

GeneDx
Classification: Uncertain significance. Last evaluated: 2024-02-22. Review status: criteria provided, single submitter. Criteria: GeneDx Variant Classification Process June 2021. Collection method: clinical testing. Allele origin: germline. Affected: yes.
Comment: In silico analysis supports that this missense variant does not alter protein structure/function; Not observed at significant frequency in large population cohorts (gnomAD); Has not been previously published as pathogenic or benign to our knowledge

NM_001291415.2(KDM6A):c.1285G>A (p.Ala429Thr)

Gene: KDM6A (lysine demethylase 6A; plus strand). Cytogenetic location: Xp11.3.
Variant type: single nucleotide variant.
Coding change: c.1285G>A on transcript NM_001291415.2 (MANE Select); coding-DNA position 1285, G replaced by A.
Protein change: p.Ala429Thr; replaces alanine 429 with threonine.
Molecular consequence: missense variant. On other transcripts: intron variant (6).
Genome position (GRCh38, 1-based): chrX:45,060,112, G>A. VCF-style: chrX-45060112-G-A. GRCh37 (hg19) VCF-style: chrX-44919357-G-A.
Other names: c.1285G>A, p.Ala429Thr (NM_001410742.1, NM_001419809.1, NM_001419810.1 and 4 more transcripts); c.1195-497G>A (NM_001419811.1, NM_001291416.2); c.1194+646G>A (NM_001291417.2, NM_001419815.1, NM_001291418.2); c.441+646G>A (NM_001291421.2); short protein forms A429T.
Identifiers: ClinVar variation 3369655 (VCV003369655.1).